The following is an entry in ClinVar:

NM_000135.4(FANCA):c.2437C>A (p.Pro813Thr)

Gene: FANCA (FA complementation group A; minus strand). Cytogenetic location: 16q24.3.
Variant type: single nucleotide variant.
Coding change: c.2437C>A on transcript NM_000135.4 (MANE Select); coding-DNA position 2437, C replaced by A.
Protein change: p.Pro813Thr; replaces proline 813 with threonine.
Molecular consequence: missense variant.
Genome position (GRCh38, 1-based): chr16:89,769,904, G>T on the plus strand (C>A on the coding strand, the complement: FANCA is on the minus strand). VCF-style: chr16-89769904-G-T. GRCh37 (hg19) VCF-style: chr16-89836312-G-T.
Other names: c.2437C>A, p.Pro813Thr (NM_001286167.3); short protein forms P813T.
Identifiers: ClinVar variation 4022267 (VCV004022267.1).

ClinVar aggregate classification (germline): Uncertain significance (1 of 4 stars; one submission).

Conditions:
Inborn genetic diseases. Identifiers: MedGen C0950123, MeSH D030342.

Submission:

Ambry Genetics
Classification: Uncertain significance for Inborn genetic diseases. Last evaluated: 2025-05-11. Review status: criteria provided, single submitter. Criteria: Ambry Variant Classification Scheme 2023. Collection method: clinical testing. Allele origin: germline.
Comment: The p.P813T variant (also known as c.2437C>A), located in coding exon 26 of the FANCA gene, results from a C to A substitution at nucleotide position 2437. The proline at codon 813 is replaced by threonine, an amino acid with highly similar properties. This amino acid position is conserved. In addition, this alteration is predicted to be tolerated by in silico analysis. Based on the available evidence, the clinical significance of this variant remains unclear.